The following is an entry in ClinVar:

NM_001008537.3(NEXMIF):c.505G>A (p.Asp169Asn)

Gene: NEXMIF (neurite extension and migration factor; minus strand). Cytogenetic location: Xq13.3.
Variant type: single nucleotide variant.
Coding change: c.505G>A on transcript NM_001008537.3 (MANE Select); coding-DNA position 505, G replaced by A.
Protein change: p.Asp169Asn; replaces aspartic acid 169 with asparagine.
Molecular consequence: missense variant.
Genome position (GRCh38, 1-based): chrX:74,744,052, C>T on the plus strand (G>A on the coding strand, the complement: NEXMIF is on the minus strand). VCF-style: chrX-74744052-C-T. GRCh37 (hg19) VCF-style: chrX-73963887-C-T.
Other names: short protein forms D169N.
Identifiers: ClinVar variation 588774 (VCV000588774.17), dbSNP rs1569335941, ClinGen allele CA413673182.

ClinVar aggregate classification (germline): Uncertain significance. Review status: criteria provided, multiple submitters, no conflicts (2 of 4 stars). 3 submissions from 3 submitters: Uncertain significance (3). Last evaluated 2020-01-22.

Allele frequency attached by ClinVar (database versions not stated): TOPMed below 0.00001.

Submissions (3):

GeneDx
Classification: Uncertain significance. Last evaluated: 2020-01-22. Review status: criteria provided, single submitter. Criteria: GeneDx Variant Classification Process June 2021. Collection method: clinical testing. Allele origin: germline. Affected: yes.
Comment: Not observed in large population cohorts (Lek et al., 2016); In silico analysis, which includes protein predictors and evolutionary conservation, supports that this variant does not alter protein structure/function; Has not been previously published as pathogenic or benign to our knowledge

Labcorp Genetics (formerly Invitae), Labcorp
Classification: Uncertain significance. Last evaluated: 2019-10-14. Review status: criteria provided, single submitter. Criteria: Invitae Variant Classification Sherloc (09022015). Collection method: clinical testing. Allele origin: germline.
Comment: This variant is not present in population databases (ExAC no frequency). This sequence change replaces aspartic acid with asparagine at codon 169 of the NEXMIF protein (p.Asp169Asn). The aspartic acid residue is highly conserved and there is a small physicochemical difference between aspartic acid and asparagine. This variant has not been reported in the literature in individuals with NEXMIF-related conditions. ClinVar contains an entry for this variant (Variation ID: 588774). Algorithms developed to predict the effect of missense changes on protein structure and function are either unavailable or do not agree on the potential impact of this missense change (SIFT: "Deleterious"; PolyPhen-2: "Probably Damaging"; Align-GVGD: "Class C15"). In summary, the available evidence is currently insufficient to determine the role of this variant in disease. Therefore, it has been classified as a Variant of Uncertain Significance.

Ambry Genetics
Classification: Uncertain significance. Last evaluated: 2017-02-08. Review status: criteria provided, single submitter. Criteria: Ambry Variant Classification Scheme 2023. Collection method: clinical testing. Allele origin: germline.
Comment: The p.D169N variant (also known as c.505G>A), located in coding exon 2 of the KIAA2022 gene, results from a G to A substitution at nucleotide position 505. The aspartic acid at codon 169 is replaced by asparagine, an amino acid with highly similar properties. This amino acid position is highly conserved in available vertebrate species. In addition, this alteration is predicted to be tolerated by in silico analysis. Since supporting evidence is limited at this time, the clinical significance of this variant remains unclear.